The following is an entry in ClinVar:

NM_022124.6(CDH23):c.1754C>G (p.Ala585Gly)

Gene: CDH23 (cadherin related 23; plus strand). Cytogenetic location: 10q22.1.
Variant type: single nucleotide variant.
Coding change: c.1754C>G on transcript NM_022124.6 (MANE Select); coding-DNA position 1754, C replaced by G.
Protein change: p.Ala585Gly; replaces alanine 585 with glycine.
Molecular consequence: missense variant.
Genome position (GRCh38, 1-based): chr10:71,679,388, C>G. VCF-style: chr10-71679388-C-G. GRCh37 (hg19) VCF-style: chr10-73439145-C-G.
Other names: c.1754C>G, p.Ala585Gly (NM_001171930.2, NM_001171931.2); short protein forms A585G.
Identifiers: ClinVar variation 4703678 (VCV004703678.1).

ClinVar aggregate classification (germline): Uncertain significance (1 of 4 stars; one submission).

gnomAD v4.1: 4 of 1,611,124 alleles (0.00025%); highest among the groups gnomAD compares: Non-Finnish European, 0.00034%; no homozygotes.

Submission:

Labcorp Genetics (formerly Invitae), Labcorp
Classification: Uncertain significance. Last evaluated: 2025-12-19. Review status: criteria provided, single submitter. Criteria: Invitae Variant Classification Sherloc (09022015). Collection method: clinical testing. Allele origin: germline.
Comment: This sequence change replaces alanine, which is neutral and non-polar, with glycine, which is neutral and non-polar, at codon 585 of the CDH23 protein (p.Ala585Gly). This variant is not present in population databases (gnomAD no frequency). This variant has not been reported in the literature in individuals affected with CDH23-related conditions. Experimental studies and prediction algorithms are not available or were not evaluated, and the functional significance of this variant is currently unknown. In summary, the available evidence is currently insufficient to determine the role of this variant in disease. Therefore, it has been classified as a Variant of Uncertain Significance.